The following is an entry in ClinVar:

NM_001035.3(RYR2):c.9424A>G (p.Thr3142Ala)

Gene: RYR2 (ryanodine receptor 2; plus strand). Cytogenetic location: 1q43.
Variant type: single nucleotide variant.
Coding change: c.9424A>G on transcript NM_001035.3 (MANE Select); coding-DNA position 9424, A replaced by G.
Protein change: p.Thr3142Ala; replaces threonine 3142 with alanine.
Molecular consequence: missense variant.
Genome position (GRCh38, 1-based): chr1:237,702,034, A>G. VCF-style: chr1-237702034-A-G. GRCh37 (hg19) VCF-style: chr1-237865334-A-G.
Other names: short protein forms T3142A.
Identifiers: ClinVar variation 3385816 (VCV003385816.1).

ClinVar aggregate classification (germline): Uncertain significance (1 of 4 stars; one submission).

Conditions:
Catecholaminergic polymorphic ventricular tachycardia (CVPT). Also called: Catecholamine-induced polymorphic ventricular tachycardia. Identifiers: Orphanet 3286, MedGen C5574922, MONDO:0017990.

Submission:

All of Us Research Program, National Institutes of Health
Classification: Uncertain significance for Catecholaminergic polymorphic ventricular tachycardia. Last evaluated: 2024-05-14. Review status: criteria provided, single submitter. Criteria: ACMG Guidelines, 2015. Collection method: clinical testing. Allele origin: germline. Inheritance: Autosomal dominant inheritance. Observed: 1 variant allele, 1 heterozygote.
Comment: This missense variant replaces threonine with alanine at codon 3142 of the RYR2 protein. Computational prediction is inconclusive regarding the impact of this variant on protein structure and function (internally defined REVEL score threshold 0.5 < inconclusive < 0.7, PMID: 27666373). To our knowledge, functional studies have not been reported for this variant. This variant has not been reported in individuals affected with RYR2-related disorders in the literature. This variant has not been identified in the general population by the Genome Aggregation Database (gnomAD). The available evidence is insufficient to determine the role of this variant in disease conclusively. Therefore, this variant is classified as a Variant of Uncertain Significance.

This study involves interpretation of variants in research participants for the purpose of population health screening. Participant phenotype was not available at the time of variant classification. Additional details can be found in publication PMID: 35346344, PMCID: PMC8962531